The following is an entry in ClinVar:

NM_002816.5(PSMD12):c.20A>G (p.Glu7Gly)

Genes: PSMD12 (proteasome 26S subunit, non-ATPase 12; minus strand), LOC130061480 (ATAC-STARR-seq lymphoblastoid active region 12622; plus strand). Cytogenetic location: 17q24.2.
Variant type: single nucleotide variant.
Coding change: c.20A>G on transcript NM_002816.5 (MANE Select); coding-DNA position 20, A replaced by G.
Protein change: p.Glu7Gly; replaces glutamic acid 7 with glycine.
Molecular consequence: missense variant. On other transcripts: 5 prime UTR variant (1).
Genome position (GRCh38, 1-based): chr17:67,366,500, T>C on the plus strand (A>G on the coding strand, the complement: PSMD12 is on the minus strand). VCF-style: chr17-67366500-T-C. GRCh37 (hg19) VCF-style: chr17-65362616-T-C.
Other names: c.-442A>G (NM_001316341.2); c.20A>G, p.Glu7Gly (NM_174871.4); short protein forms E7G.
Identifiers: ClinVar variation 3376019 (VCV003376019.1).

ClinVar aggregate classification (germline): Uncertain significance (1 of 4 stars; one submission).

Submission:

GeneDx
Classification: Uncertain significance. Last evaluated: 2024-05-02. Review status: criteria provided, single submitter. Criteria: GeneDx Variant Classification Process June 2021. Collection method: clinical testing. Allele origin: germline. Affected: yes.
Comment: Not observed at significant frequency in large population cohorts (gnomAD); In silico analysis indicates that this missense variant does not alter protein structure/function; Has not been previously published as pathogenic or benign to our knowledge